The following is an entry in ClinVar:

NM_004370.6(COL12A1):c.8393G>T (p.Gly2798Val)

Gene: COL12A1 (collagen type XII alpha 1 chain; minus strand). Cytogenetic location: 6q13.
Variant type: single nucleotide variant.
Coding change: c.8393G>T on transcript NM_004370.6 (MANE Select); coding-DNA position 8393, G replaced by T.
Protein change: p.Gly2798Val; replaces glycine 2798 with valine.
Molecular consequence: missense variant.
Genome position (GRCh38, 1-based): chr6:75,102,619, C>A on the plus strand (G>T on the coding strand, the complement: COL12A1 is on the minus strand). VCF-style: chr6-75102619-C-A. GRCh37 (hg19) VCF-style: chr6-75812335-C-A.
Other names: c.4901G>T, p.Gly1634Val (NM_080645.3); short protein forms G1634V, G2798V.
Identifiers: ClinVar variation 1976665 (VCV001976665.5), dbSNP rs2533103440, ClinGen allele CA364739479.
Genomic context (GRCh38, chr6:75,102,619, plus strand): 5'-CACCACTCTCATTTAATACAGAAAGGCTTTGTGCTTACTTGCTCTCCCGGAATAGAGAGT[C>A]CATTGGGTCCCTGAGGGCCTGGAGGACCCTGGGGGCCTGGAGGACCTATGTCTCCACGAG-3'
Protein context (NP_004361.3, residues 2788-2808): QGPPGPQGPN[Gly2798Val]LSIPGEQGRQ

ClinVar aggregate classification (germline): Uncertain significance (1 of 4 stars; one submission).

Conditions:
Ullrich congenital muscular dystrophy 2 (UCMD2). Identifiers: Orphanet 75840, MedGen C4225314, MONDO:0014654, OMIM 616470.
Bethlem myopathy 2 (BTHLM2). Identifiers: Orphanet 536516, Orphanet 610, MedGen C4225313, MONDO:0034022, OMIM 616471.

Submission:

Labcorp Genetics (formerly Invitae), Labcorp
Classification: Uncertain significance for Bethlem myopathy 2; Ullrich congenital muscular dystrophy 2. Last evaluated: 2022-01-28. Review status: criteria provided, single submitter. Criteria: Invitae Variant Classification Sherloc (09022015). Collection method: clinical testing. Allele origin: germline.
Comment: Algorithms developed to predict the effect of missense changes on protein structure and function are either unavailable or do not agree on the potential impact of this missense change (SIFT: "Deleterious"; PolyPhen-2: "Probably Damaging"; Align-GVGD: "Class C0"). In summary, the available evidence is currently insufficient to determine the role of this variant in disease. Therefore, it has been classified as a Variant of Uncertain Significance. This variant has not been reported in the literature in individuals affected with COL12A1-related conditions. This variant is not present in population databases (gnomAD no frequency). This sequence change replaces glycine, which is neutral and non-polar, with valine, which is neutral and non-polar, at codon 2798 of the COL12A1 protein (p.Gly2798Val).